The following is an entry in ClinVar:

ClinVar aggregate classification (germline): Uncertain significance (1 of 4 stars; one submission).

Conditions:
Hereditary cancer-predisposing syndrome. Also called: Neoplastic Syndromes, Hereditary; Tumor predisposition; Hereditary Cancer Syndrome; Hereditary neoplastic syndrome. Identifiers: Orphanet 140162, MedGen C0027672, MeSH D009386, MONDO:0015356.

Submission:

Ambry Genetics
Classification: Uncertain significance for Hereditary cancer-predisposing syndrome. Last evaluated: 2019-05-31. Review status: criteria provided, single submitter. Criteria: Ambry Variant Classification Scheme 2023. Collection method: clinical testing. Allele origin: germline.
Comment: The p.S1251P variant (also known as c.3751T>C), located in coding exon 8 of the MSH6 gene, results from a T to C substitution at nucleotide position 3751. The serine at codon 1251 is replaced by proline, an amino acid with similar properties. This amino acid position is highly conserved in available vertebrate species. In addition, this alteration is predicted to be deleterious by in silico analysis. In addition, the CoDP in silico tool predicts this alteration to have likely impact on molecular function, with a score of 0.892 (Terui H et al. J. Biomed. Sci. 2013 Apr;20:25). Since supporting evidence is limited at this time, the clinical significance of this alteration remains unclear.

NM_000179.3(MSH6):c.3751T>C (p.Ser1251Pro)

Gene: MSH6 (mutS homolog 6; plus strand). Cytogenetic location: 2p16.3.
Variant type: single nucleotide variant.
Coding change: c.3751T>C on transcript NM_000179.3 (MANE Select); coding-DNA position 3751, T replaced by C.
Protein change: p.Ser1251Pro; replaces serine 1251 with proline.
Molecular consequence: missense variant.
Genome position (GRCh38, 1-based): chr2:47,806,308, T>C. VCF-style: chr2-47806308-T-C. GRCh37 (hg19) VCF-style: chr2-48033447-T-C.
Other names: c.2185T>C, p.Ser729Pro (NM_001406817.1); c.3454T>C, p.Ser1152Pro (NM_001406818.1, NM_001406830.1, NM_001406797.1 and 10 more transcripts); c.2845T>C, p.Ser949Pro (NM_001406829.1, NM_001281493.2, NM_001281494.2 and 6 more transcripts); c.532T>C, p.Ser178Pro (NM_001406831.1); c.598T>C, p.Ser200Pro (NM_001406832.1); c.1696T>C, p.Ser566Pro (NM_001407362.1); c.3361T>C, p.Ser1121Pro (NM_001281492.2); c.3847T>C, p.Ser1283Pro (NM_001406795.1, NM_001406802.1); and 7 more; short protein forms S1076P, S949P, S963P, S1251P, S1121P, S1225P, S1253P, S1283P.
Identifiers: ClinVar variation 1734568 (VCV001734568.2), dbSNP rs2104543764, ClinGen allele CA346761078.